The following is an entry in ClinVar:

NM_004517.4(ILK):c.988G>A (p.Asp330Asn)

Genes: TAF10 (TATA-box binding protein associated factor 10; minus strand), ILK (integrin linked kinase; plus strand). Cytogenetic location: 11p15.4.
Variant type: single nucleotide variant.
Coding change: c.988G>A on transcript NM_004517.4 (MANE Select); coding-DNA position 988, G replaced by A.
Protein change: p.Asp330Asn; replaces aspartic acid 330 with asparagine.
Molecular consequence: missense variant. On other transcripts: 3 prime UTR variant (1).
Genome position (GRCh38, 1-based): chr11:6,609,945, G>A. VCF-style: chr11-6609945-G-A. GRCh37 (hg19) VCF-style: chr11-6631176-G-A.
Other names: c.988G>A, p.Asp330Asn (NM_001014794.3, NM_001014795.3); c.805G>A, p.Asp269Asn (NM_001278441.2); c.586G>A, p.Asp196Asn (NM_001278442.2); c.*977C>T (NM_006284.4); short protein forms D330N, D196N, D269N.
Identifiers: ClinVar variation 4843046 (VCV004843046.1).
Genomic context (GRCh38, chr11:6,609,945, plus strand): 5'-CCCTTTGCCTATCTATGACTTACCTCCTTCTATCTGTTTTCTCTTCCTCAGATTGATGAG[G>A]ACATGACTGCCCGAATTAGCATGGCTGATGTCAAGTTCTCTTTCCAATGTCCTGGTCGCA-3'
Protein context (NP_004508.1, residues 320-340): LNSRSVMIDE[Asp330Asn]MTARISMADV

ClinVar aggregate classification (germline): Uncertain significance (1 of 4 stars; one submission).

Submission:

Ambry Genetics
Classification: Uncertain significance. Last evaluated: 2025-12-19. Review status: criteria provided, single submitter. Criteria: Ambry Variant Classification Scheme 2023. Collection method: clinical testing. Allele origin: germline.
Comment: The p.D330N variant (also known as c.988G>A), located in coding exon 10 of the ILK gene, results from a G to A substitution at nucleotide position 988. The aspartic acid at codon 330 is replaced by asparagine, an amino acid with highly similar properties. This amino acid position is conserved. In addition, the in silico prediction for this alteration is inconclusive. Based on the available evidence, the clinical significance of this variant remains unclear.